The following is an entry in ClinVar:

NM_024795.4(TM4SF20):c.402-2A>G

Gene: TM4SF20 (transmembrane 4 L six family member 20; minus strand). Cytogenetic location: 2q36.3.
Variant type: single nucleotide variant.
Coding change: c.402-2A>G on transcript NM_024795.4 (MANE Select); the canonical splice acceptor site of the intron before coding-DNA position 402, A replaced by G.
Molecular consequence: splice acceptor variant.
Genome position (GRCh38, 1-based): chr2:227,364,014, T>C on the plus strand (A>G on the coding strand, the complement: TM4SF20 is on the minus strand). VCF-style: chr2-227364014-T-C. GRCh37 (hg19) VCF-style: chr2-228228730-T-C.
Identifiers: ClinVar variation 2745979 (VCV002745979.3), dbSNP rs749325222, ClinGen allele CA350861605.
Genomic context (GRCh38, chr2:227,364,014, plus strand): 5'-GAGGTGCACAAGAGTCATTGAAAAACCACTGCAAGTTGAAGGATTCTGGATGAATGTCAC[T>C]GAAAAACAAAAGATAAAAATCAGATATTCAGAAATATCCCTGACCAAAGGAAAGTAGCAT-3'

ClinVar aggregate classification (germline): Uncertain significance (1 of 4 stars; one submission).

Allele frequency attached by ClinVar (database versions not stated): gnomAD exomes below 0.00001.
gnomAD v4.1: 1 of 1,601,382 alleles (0.000062%); highest among the groups gnomAD compares: Non-Finnish European, 0.000085%; no homozygotes.

Submission:

Labcorp Genetics (formerly Invitae), Labcorp
Classification: Uncertain significance. Last evaluated: 2023-07-23. Review status: criteria provided, single submitter. Criteria: Invitae Variant Classification Sherloc (09022015). Collection method: clinical testing. Allele origin: germline.
Comment: This sequence change falls in intron 3 of the TM4SF20 gene. It does not directly change the encoded amino acid sequence of the TM4SF20 protein. It affects a nucleotide within the consensus splice site. This variant is not present in population databases (gnomAD no frequency). This variant has not been reported in the literature in individuals affected with TM4SF20-related conditions. Variants that disrupt the consensus splice site are a relatively common cause of aberrant splicing (PMID: 17576681, 9536098). Algorithms developed to predict the effect of sequence changes on RNA splicing suggest that this variant may disrupt the consensus splice site. In summary, the available evidence is currently insufficient to determine the role of this variant in disease. Therefore, it has been classified as a Variant of Uncertain Significance.

Literature cited by the submitters: PubMed 17576681; PubMed 9536098.